The following is an entry in ClinVar:

NM_000552.5(VWF):c.1110-2A>G

Gene: VWF (von Willebrand factor; minus strand). Cytogenetic location: 12p13.31.
Variant type: single nucleotide variant.
Coding change: c.1110-2A>G on transcript NM_000552.5 (MANE Select); the canonical splice acceptor site of the intron before coding-DNA position 1110, A replaced by G.
Molecular consequence: splice acceptor variant.
Genome position (GRCh38, 1-based): chr12:6,071,345, T>C on the plus strand (A>G on the coding strand, the complement: VWF is on the minus strand). VCF-style: chr12-6071345-T-C. GRCh37 (hg19) VCF-style: chr12-6180511-T-C.
Identifiers: ClinVar variation 4532990 (VCV004532990.1).

ClinVar aggregate classification (germline): Pathogenic (1 of 4 stars; one submission).

Submission:

Quest Diagnostics Nichols Institute San Juan Capistrano
Classification: Pathogenic. Last evaluated: 2025-08-05. Review status: criteria provided, single submitter. Criteria: Quest Diagnostics criteria. Collection method: clinical testing. Allele origin: unknown.
Comment: The VWF c.1110-2A>G variant disrupts a canonical splice-acceptor site and interferes with normal VWF mRNA splicing. This variant has been reported in the published literature in at least one individual with von Willebrand Disease Type 1 (PMID: 26986123 (2016)). This variant has not been reported in large, multi-ethnic general populations (Genome Aggregation Database). Based on the available information, this variant is classified as pathogenic

Literature cited by the submitters: PubMed 26986123; PubMed 39096151.